The following is an entry in ClinVar:

ClinVar aggregate classification (germline): Likely benign. Review status: criteria provided, multiple submitters, no conflicts (2 of 4 stars). 2 submissions from 2 submitters: Likely benign (2). Last evaluated 2024-12-09.

Conditions:
MEGF10-related myopathy (CMYO10A). Also called: Congenital myopathy 10A, severe variant. Identifiers: Orphanet 439212, MedGen C3280679, MONDO:0013731, OMIM 614399.

Allele frequency attached by ClinVar (database versions not stated): gnomAD exomes 0.00001; ExAC 0.00002; gnomAD 0.00005 and 0.00006; TOPMed 0.00006; ESP Exome Variant Server 0.00015.
gnomAD v4.1: 11 of 1,610,286 alleles (0.00068%); highest among the groups gnomAD compares: African/African-American, 0.015%; no homozygotes.

Submissions (2):

Labcorp Genetics (formerly Invitae), Labcorp
Classification: Likely benign for MEGF10-related myopathy. Last evaluated: 2024-12-09. Review status: criteria provided, single submitter. Criteria: Invitae Variant Classification Sherloc (09022015). Collection method: clinical testing. Allele origin: germline.

GeneDx
Classification: Likely benign. Last evaluated: 2018-04-19. Review status: criteria provided, single submitter. Criteria: GeneDx Variant Classification (06012015). Collection method: clinical testing. Allele origin: germline. Affected: yes.
Comment: This variant is considered likely benign or benign based on one or more of the following criteria: it is a conservative change, it occurs at a poorly conserved position in the protein, it is predicted to be benign by multiple in silico algorithms, and/or has population frequency not consistent with disease.

NM_001256545.2(MEGF10):c.2104+7C>A

Gene: MEGF10 (multiple EGF like domains 10; plus strand). Cytogenetic location: 5q23.2.
Variant type: single nucleotide variant.
Coding change: c.2104+7C>A on transcript NM_001256545.2 (MANE Select); 7 bases into the intron after coding-DNA position 2104, C replaced by A.
Molecular consequence: intron variant.
Genome position (GRCh38, 1-based): chr5:127,435,496, C>A. VCF-style: chr5-127435496-C-A. GRCh37 (hg19) VCF-style: chr5-126771188-C-A.
Other names: c.2104+7C>A (NM_032446.3).
Identifiers: ClinVar variation 682082 (VCV000682082.9), dbSNP rs371274853, ClinGen allele CA3391832.